The following is an entry in ClinVar:

NM_001300942.2(EMSY):c.1559-4G>A

Gene: EMSY (EMSY transcriptional repressor, BRCA2 interacting; plus strand). Cytogenetic location: 11q13.5.
Variant type: single nucleotide variant.
Coding change: c.1559-4G>A on transcript NM_001300942.2 (MANE Select); 4 bases into the intron before coding-DNA position 1559, G replaced by A.
Molecular consequence: intron variant.
Genome position (GRCh38, 1-based): chr11:76,516,138, G>A. VCF-style: chr11-76516138-G-A. GRCh37 (hg19) VCF-style: chr11-76227182-G-A.
Other names: NC_000011.9:g.76227182G>A; c.1559-4G>A (NM_001300944.2); c.1517-4G>A (NM_001300943.2); c.1514-4G>A (NM_020193.5).
Identifiers: ClinVar variation 3058884 (VCV003058884.3), dbSNP rs2508740, ClinGen allele CA6193942.

ClinVar aggregate classification (germline): Benign (0 of 4 stars; one submission).

Conditions:
EMSY-related disorder. Also called: EMSY-related condition.

Allele frequency attached by ClinVar (database versions not stated): gnomAD 0.58014; 1000 Genomes Project 30x 0.62914; ExAC 0.64385; TOPMed 0.57536; ESP Exome Variant Server 0.54991; 1000 Genomes Project 0.63618.
gnomAD v4.1: 993,858 of 1,605,772 alleles (62%); highest among the groups gnomAD compares: East Asian, 81%; 312,285 homozygotes.

Submissions (2):

PreventionGenetics, part of Exact Sciences
Classification: Benign for EMSY-related condition. Last evaluated: 2022-08-10. Review status: no assertion criteria provided. Collection method: clinical testing. Allele origin: germline.
Comment: This variant is classified as benign based on ACMG/AMP sequence variant interpretation guidelines (Richards et al. 2015 PMID: 25741868, with internal and published modifications).

Dr. Peter K. Rogan Lab, Western University
No classification provided (evidence only). Condition: Hepatocellular carcinoma. Review status: no classification provided. Collection method: in vitro. Allele origin: not applicable. Functional consequence: retained intron. Not counted in ClinVar's aggregate classification.